The following is an entry in ClinVar:

ClinVar aggregate classification (germline): Uncertain significance (1 of 4 stars; one submission).

Submission:

Labcorp Genetics (formerly Invitae), Labcorp
Classification: Uncertain significance. Last evaluated: 2024-10-24. Review status: criteria provided, single submitter. Criteria: Invitae Variant Classification Sherloc (09022015). Collection method: clinical testing. Allele origin: germline.
Comment: This sequence change replaces asparagine, which is neutral and polar, with histidine, which is basic and polar, at codon 1147 of the SNRNP200 protein (p.Asn1147His). This variant is not present in population databases (gnomAD no frequency). This variant has not been reported in the literature in individuals affected with SNRNP200-related conditions. ClinVar contains an entry for this variant (Variation ID: 1382944). Invitae Evidence Modeling of protein sequence and biophysical properties (such as structural, functional, and spatial information, amino acid conservation, physicochemical variation, residue mobility, and thermodynamic stability) indicates that this missense variant is not expected to disrupt SNRNP200 protein function with a negative predictive value of 95%. In summary, the available evidence is currently insufficient to determine the role of this variant in disease. Therefore, it has been classified as a Variant of Uncertain Significance.

NM_014014.5(SNRNP200):c.3439A>C (p.Asn1147His)

Gene: SNRNP200 (small nuclear ribonucleoprotein U5 subunit 200; minus strand). Cytogenetic location: 2q11.2.
Variant type: single nucleotide variant.
Coding change: c.3439A>C on transcript NM_014014.5 (MANE Select); coding-DNA position 3439, A replaced by C.
Protein change: p.Asn1147His; replaces asparagine 1147 with histidine.
Molecular consequence: missense variant.
Genome position (GRCh38, 1-based): chr2:96,287,484, T>G on the plus strand (A>C on the coding strand, the complement: SNRNP200 is on the minus strand). VCF-style: chr2-96287484-T-G. GRCh37 (hg19) VCF-style: chr2-96953222-T-G.
Other names: short protein forms N1147H.
Identifiers: ClinVar variation 1382944 (VCV001382944.6), dbSNP rs2104345476, ClinGen allele CA347672659.